The following is an entry in ClinVar:

NM_004984.4(KIF5A):c.129+6_129+7delinsCC

Gene: KIF5A (kinesin family member 5A; plus strand). Cytogenetic location: 12q13.3.
Variant type: Indel.
Coding change: c.129+6_129+7delinsCC on transcript NM_004984.4 (MANE Select); bases 6 to 7 of the intron after coding-DNA position 129, TG replaced by CC.
Molecular consequence: intron variant.
Genome position (GRCh38, 1-based): chr12:57,550,406-57,550,407, TG replaced by CC. VCF-style: chr12-57550406-TG-CC. GRCh37 (hg19) VCF-style: chr12-57944189-TG-CC.
Other names: c.129+6_129+7delinsCC (NM_001354705.2).
Identifiers: ClinVar variation 4721649 (VCV004721649.1).

ClinVar aggregate classification (germline): Uncertain significance (1 of 4 stars; one submission).

Conditions:
Spastic paraplegia. Identifiers: MedGen C0037772, HP:0001258.

Submission:

Labcorp Genetics (formerly Invitae), Labcorp
Classification: Uncertain significance for Spastic paraplegia. Last evaluated: 2025-06-18. Review status: criteria provided, single submitter. Criteria: Invitae Variant Classification Sherloc (09022015). Collection method: clinical testing. Allele origin: germline.
Comment: This sequence change falls in intron 1 of the KIF5A gene. It does not directly change the encoded amino acid sequence of the KIF5A protein. Information on the frequency of this variant in the gnomAD database is not available, as this variant may be reported differently in the database. This variant has not been reported in the literature in individuals affected with KIF5A-related conditions. Experimental studies and prediction algorithms are not available or were not evaluated, and the effect of this variant on mRNA splicing is currently unknown. In summary, the available evidence is currently insufficient to determine the role of this variant in disease. Therefore, it has been classified as a Variant of Uncertain Significance.